The following is an entry in ClinVar:

ClinVar aggregate classification (germline): Benign/Likely benign. Review status: criteria provided, multiple submitters, no conflicts (2 of 4 stars). 2 submissions from 2 submitters: Benign (1); Likely benign (1). Last evaluated 2018-01-13.

Conditions:
Hypohidrotic ectodermal dysplasia (HED). Identifiers: Orphanet 238468, MedGen C5848103, MONDO:0016535, HP:0007607.

Allele frequency attached by ClinVar (database versions not stated): TOPMed 0.05878; gnomAD 0.05209; 1000 Genomes Project 0.07628; gnomAD exomes 0.02778; 1000 Genomes Project 30x 0.07511.
gnomAD v4.1: 9,298 of 152,214 alleles (6.1%); highest among the groups gnomAD compares: South Asian, 15%; 348 homozygotes.

Submissions (2):

Illumina Laboratory Services, Illumina
Classification: Benign for Hypohidrotic ectodermal dysplasia. Last evaluated: 2018-01-13. Review status: criteria provided, single submitter. Criteria: ICSL Variant Classification Criteria 13 December 2019. Collection method: clinical testing. Allele origin: germline.
Comment: This variant was observed in the ICSL laboratory as part of a predisposition screen in an ostensibly healthy population. It had not been previously curated by ICSL or reported in the Human Gene Mutation Database (HGMD: prior to June 1st, 2018), and was therefore a candidate for classification through an automated scoring system. Utilizing variant allele frequency, disease prevalence and penetrance estimates, and inheritance mode, an automated score was calculated to assess if this variant is too frequent to cause the disease. Based on the score and internal cut-off values, a variant classified as benign is not then subjected to further curation. The score for this variant resulted in a classification of benign for this disease.

Breakthrough Genomics
Classification: Likely benign. Review status: criteria provided, single submitter. Criteria: ACMG Guidelines, 2015. Collection method: not provided. Allele origin: germline. Inheritance: Autosomal recessive inheritance. Affected: yes.

NM_022336.4(EDAR):c.*1248G>T

Genes: EDAR (ectodysplasin A receptor; minus strand), RANBP2 (RAN binding protein 2; plus strand). Cytogenetic location: 2q13.
Variant type: single nucleotide variant.
Coding change: c.*1248G>T on transcript NM_022336.4 (MANE Select); 1248 bases downstream of the stop codon, G replaced by T.
Molecular consequence: 3 prime UTR variant.
Genome position (GRCh38, 1-based): chr2:108,895,659, C>A on the plus strand (G>T on the coding strand, the complement: EDAR is on the minus strand). VCF-style: chr2-108895659-C-A. GRCh37 (hg19) VCF-style: chr2-109512115-C-A.
Identifiers: ClinVar variation 330691 (VCV000330691.7), dbSNP rs75155869, ClinGen allele CA10611845.